The following is an entry in ClinVar:

ClinVar aggregate classification (germline): Conflicting classifications of pathogenicity. Review status: criteria provided, conflicting classifications (1 of 4 stars). 12 submissions from 12 submitters: Likely pathogenic (3); Uncertain significance (8). 1 of the submissions does not count toward it. Last evaluated 2026-05-08.

Conditions:
LMNA-related disorder. Also called: LMNA-related condition; LMNA-related disease; LMNA-related disorders. Identifiers: MedGen CN380145.
Cardiovascular phenotype. Identifiers: MedGen CN230736.
Charcot-Marie-Tooth disease type 2. Also called: Charcot-Marie-Tooth type 2. Identifiers: Orphanet 64746, MedGen C0270914, MONDO:0018993.
Cardiomyopathy (CMYO). Also called: Cardiomyopathies. Identifiers: Orphanet 167848, MedGen C0878544, MONDO:0004994, HP:0001638. Inheritance: Various modes of inheritance.
Charcot-Marie-Tooth disease type 2B1 (CMT2B1). Also called: Charcot-marie-tooth disease, axonal, type 2b1; CHARCOT-MARIE-TOOTH DISEASE, NEURONAL, TYPE 2B1; Charcot-Marie-Tooth Neuropathy Type 2B1. Identifiers: Orphanet 98856, MedGen C1854154, MONDO:0011569, OMIM 605588.
Familial partial lipodystrophy, Dunnigan type. Also called: Partial lipodystrophy, Dunnigan; LIPODYSTROPHY, FAMILIAL, OF LIMBS AND LOWER TRUNK; LIPODYSTROPHY, REVERSE PARTIAL. Identifiers: Orphanet 2348, MedGen C1720860, MONDO:0007906, OMIM 151660.
Primary dilated cardiomyopathy (DCM). Also called: Dilated Cardiomyopathy. Identifiers: Orphanet 217604, MedGen C0007193, MeSH D002311, MONDO:0005021, HP:0001644. Inheritance: Various modes of inheritance.

Allele frequency attached by ClinVar (database versions not stated): TOPMed 0.00001; gnomAD exomes 0.00002; ExAC 0.00003; gnomAD 0.00001.
gnomAD v4.1: 20 of 1,611,718 alleles (0.0012%); highest among the groups gnomAD compares: Non-Finnish European, 0.0015%; no homozygotes.

Submissions 1 to 6 of 12:

PreventionGenetics, part of Exact Sciences
Classification: Uncertain significance for LMNA-related condition. Last evaluated: 2026-05-08. Review status: criteria provided, single submitter. Criteria: ACMG Guidelines, 2015. Collection method: clinical testing. Allele origin: germline.
Comment: The LMNA c.1315C>T variant is predicted to result in the amino acid substitution p.Arg439Cys. This variant has been reported in individuals with lipodystrophy and was noted to segregate with disease in four affected family members (Decaudain et al 2007. PubMed ID: 17711925; Verstraeten et al 2009. PubMed ID: 19220582). It was also detected in a cohort of individuals with early-onset atrial fibrillation (Yoneda et al 2021. PubMed ID: 34495297) and in an individual with hypertrophic cardiomyopathy who experienced sudden cardiac death (Ripoll-Vera et al. 2021. PubMed ID: 32917565). Functional characterization of patient’s fibroblast showed that this variant is associated with nuclear abnormalities and significantly higher levels of reactive oxygen species under oxidative stress. However, there were no changes in protein expression or prelaminin A accumulation (Verstraeten et al. 2009. PubMed ID: 19220582, De Vos et al. 2011. PubMed ID: 21831885). Moreover, in vitro characterization showed that this variant does not aggregate and has similar soluble properties as the WT protein (Anderson et al. 2021. PubMed ID: 34862408). This variant is reported in 0.0055% of alleles in individuals of European (non-Finnish) descent in gnomAD. Due to the conflicting evidence, we classify this variant as uncertain significance.

GeneDx
Classification: Uncertain significance. Last evaluated: 2026-01-12. Review status: criteria provided, single submitter. Criteria: GeneDx Variant Classification Process June 2021. Collection method: clinical testing. Allele origin: germline. Affected: yes.
Comment: Observed heterozygous in an individual with lipodystrophy and abnormal fat accumulation, lipoatrophy of the extremities, hypertrophy of the calf muscles, and pelvic weakness; however, segregation analysis and comprehensive genetic testing was not completed (PMID: 17711925); In silico analysis suggests that this missense variant does not alter protein structure/function; This variant is associated with the following publications: (PMID: 24375749, 21945321, 21831885, 28679633, 17524034, 18364375, 34495297, 34862408, 17711925, 19220582, 24623722, 38279275, 40610603, 39001760, 40367289, 10939567, 32917565, 37843397, 39829337, 30287275)

Labcorp Genetics (formerly Invitae), Labcorp
Classification: Likely pathogenic for Charcot-Marie-Tooth disease type 2. Last evaluated: 2025-12-10. Review status: criteria provided, single submitter. Criteria: Invitae Variant Classification Sherloc (09022015). Collection method: clinical testing. Allele origin: germline.
Comment: This sequence change replaces arginine, which is basic and polar, with cysteine, which is neutral and slightly polar, at codon 439 of the LMNA protein (p.Arg439Cys). This variant is present in population databases (rs62636506, gnomAD 0.005%). This missense change has been observed in individuals with autosomal dominant LMNA-related lipodystrophy (PMID: 17711925, 19220582, 30287275). This variant has been reported in individual(s) with clinical features of autosomal dominant LMNA-related muscular dystrophy (internal data); however, the role of the variant in this condition is currently unclear. ClinVar contains an entry for this variant (Variation ID: 66804). Invitae Evidence Modeling of protein sequence and biophysical properties (such as structural, functional, and spatial information, amino acid conservation, physicochemical variation, residue mobility, and thermodynamic stability) indicates that this missense variant is expected to disrupt LMNA protein function with a positive predictive value of 95%. Experimental studies are conflicting or provide insufficient evidence to determine the effect of this variant on LMNA function (PMID: 19220582, 24623722, 34862408). In summary, the currently available evidence indicates that the variant is pathogenic, but additional data are needed to prove that conclusively. Therefore, this variant has been classified as Likely Pathogenic.

Color Diagnostics, LLC DBA Color Health
Classification: Uncertain significance for Cardiomyopathy. Last evaluated: 2025-11-06. Review status: criteria provided, single submitter. Criteria: ACMG Guidelines, 2015. Collection method: clinical testing. Allele origin: germline.
Comment: This missense variant replaces arginine with cysteine at codon 439 of the LMNA protein. Computational prediction tools indicate that this variant's impact on protein structure and function is inconclusive. Some functional studies have shown that this variant may affect lamin oligomerization and susceptibility to oxidative stress (PMID: 19220582) and induce a non-inflammatory fibrosis and dystrophy of adipose tissue (PMID: 21945321), while other study has shown that this variant does not affect lamin aggregation (PMID: 34862408). This variant has been reported in individuals affected with lipodystrophy (PMID: 17711925, 19220582, 21945321), in an individual affected with myopathy (PMID: 30287275), and in a young adult requiring pacemaker implantation who had a left ventricular ejection fraction in the low range of normality (PMID: 39001760). This variant has been identified in 20/1611718 chromosomes in the general population by the Genome Aggregation Database (gnomAD). The available evidence is insufficient to determine the role of this variant in autosomal dominant dilated cardiomyopathy conclusively. Therefore, this variant is classified as a Variant of Uncertain Significance.

Ambry Genetics
Classification: Uncertain significance for Cardiovascular phenotype. Last evaluated: 2025-04-30. Review status: criteria provided, single submitter. Criteria: Ambry Variant Classification Scheme 2023. Collection method: clinical testing. Allele origin: germline.
Comment: The p.R439C variant (also known as c.1315C>T), located in coding exon 7 of the LMNA gene, results from a C to T substitution at nucleotide position 1315. The arginine at codon 439 is replaced by cysteine, an amino acid with highly dissimilar properties. This variant was reported in individuals with features consistent with lipodystrophy, and sudden death with hypertrophic cardiomyopathy (Decaudain A et al. J. Clin. Endocrinol. Metab., 2007 Dec;92:4835-44; Ripoll-Vera T et al. Rev Esp Cardiol (Engl Ed). 2021 May;74(5):402-413). Cultured fibroblast studies have suggested that this alteration may impact protein function; however, the clinical impact of these findings is uncertain (Verstraeten VL et al. J. Cell. Mol. Med., 2009 May;13:959-71; De Vos WH et al. Hum. Mol. Genet., 2011 Nov;20:4175-86; Dittmer TA et al. Mol. Biol. Cell, 2014 May;25:1493-510). This amino acid position is well conserved in available vertebrate species. In addition, this alteration is predicted to be deleterious by in silico analysis. Since supporting evidence is limited at this time, the clinical significance of this alteration remains unclear.

Clinical Genetics Laboratory, University Hospital Schleswig-Holstein
Classification: Uncertain significance for Familial partial lipodystrophy, Dunnigan type. Last evaluated: 2025-02-25. Review status: criteria provided, single submitter. Criteria: ACMG Guidelines, 2015. Collection method: clinical testing. Allele origin: maternal. Affected: yes. Observed: 1 heterozygote.
Comment: ACMG criteria applied: PM2, PP1, BS4_Supporting

NM_170707.4(LMNA):c.1315C>T (p.Arg439Cys)

Gene: LMNA (lamin A/C; plus strand). Cytogenetic location: 1q22.
Variant type: single nucleotide variant.
Coding change: c.1315C>T on transcript NM_170707.4 (MANE Select); coding-DNA position 1315, C replaced by T.
Protein change: p.Arg439Cys; replaces arginine 439 with cysteine.
Molecular consequence: missense variant.
Genome position (GRCh38, 1-based): chr1:156,136,371, C>T. VCF-style: chr1-156136371-C-T. GRCh37 (hg19) VCF-style: chr1-156106162-C-T.
Other names: c.979C>T, p.Arg327Cys (NM_001257374.3); c.1072C>T, p.Arg358Cys (NM_001282624.2); c.1315C>T, p.Arg439Cys (NM_001282625.2, NM_001282626.2, NM_005572.4 and 1 more transcripts); short protein forms R439C, R327C, R358C.
Identifiers: ClinVar variation 66804 (VCV000066804.39), dbSNP rs62636506, ClinGen allele CA016991.